The following is an entry in ClinVar:

ClinVar aggregate classification (germline): Uncertain significance (1 of 4 stars; one submission).

Conditions:
Inborn genetic diseases. Identifiers: MedGen C0950123, MeSH D030342.

Submission:

Ambry Genetics
Classification: Uncertain significance for Inborn genetic diseases. Last evaluated: 2022-04-09. Review status: criteria provided, single submitter. Criteria: Ambry Variant Classification Scheme 2023. Collection method: clinical testing. Allele origin: germline.
Comment: The p.S525N variant (also known as c.1574G>A), located in coding exon 13 of the BUB1B gene, results from a G to A substitution at nucleotide position 1574. The serine at codon 525 is replaced by asparagine, an amino acid with highly similar properties. This amino acid position is conserved. In addition, this alteration is predicted to be tolerated by in silico analysis. Since supporting evidence is limited at this time, the clinical significance of this alteration remains unclear.

NM_001211.6(BUB1B):c.1574G>A (p.Ser525Asn)

Gene: BUB1B (BUB1 mitotic checkpoint serine/threonine kinase B; plus strand). Cytogenetic location: 15q15.1.
Variant type: single nucleotide variant.
Coding change: c.1574G>A on transcript NM_001211.6 (MANE Select); coding-DNA position 1574, G replaced by A.
Protein change: p.Ser525Asn; replaces serine 525 with asparagine.
Molecular consequence: missense variant.
Genome position (GRCh38, 1-based): chr15:40,202,411, G>A. VCF-style: chr15-40202411-G-A. GRCh37 (hg19) VCF-style: chr15-40494612-G-A.
Other names: short protein forms S525N.
Identifiers: ClinVar variation 1775556 (VCV001775556.2), dbSNP rs2542558827, ClinGen allele CA391691066.